The following is an entry in ClinVar:

ClinVar aggregate classification (germline): Benign/Likely benign. Review status: criteria provided, multiple submitters, no conflicts (2 of 4 stars). 3 submissions from 3 submitters: Benign (1); Likely benign (2). Last evaluated 2026-06-30.

Conditions:
Sessile serrated polyposis cancer syndrome (SSPCS). Identifiers: Orphanet 157798, MedGen C4310714, MONDO:0014919, OMIM 617108.

Submissions (3):

Myriad Genetics, Inc.
Classification: Benign for Sessile serrated polyposis cancer syndrome. Last evaluated: 2026-06-30. Review status: criteria provided, single submitter. Criteria: Myriad Autosomal Dominant, Autosomal Recessive and X-Linked Classification Criteria (2023). Collection method: clinical testing. Allele origin: unknown.
Comment: This variant is considered benign. This variant is a silent/synonymous amino acid change and it is not expected to impact splicing.

Ambry Genetics
Classification: Likely benign. Last evaluated: 2024-11-25. Review status: criteria provided, single submitter. Criteria: Ambry Variant Classification Scheme 2023. Collection method: clinical testing. Allele origin: germline.

Labcorp Genetics (formerly Invitae), Labcorp
Classification: Likely benign. Last evaluated: 2023-09-04. Review status: criteria provided, single submitter. Criteria: Invitae Variant Classification Sherloc (09022015). Collection method: clinical testing. Allele origin: germline.

NM_017763.6(RNF43):c.756C>T (p.Cys252=)

Gene: RNF43 (ring finger protein 43; minus strand). Cytogenetic location: 17q22.
Variant type: single nucleotide variant.
Coding change: c.756C>T on transcript NM_017763.6 (MANE Select); coding-DNA position 756, C replaced by T.
Protein change: p.Cys252=; no amino-acid change (cysteine 252 retained).
Molecular consequence: synonymous variant.
Genome position (GRCh38, 1-based): chr17:58,360,876, G>A on the plus strand (C>T on the coding strand, the complement: RNF43 is on the minus strand). VCF-style: chr17-58360876-G-A. GRCh37 (hg19) VCF-style: chr17-56438237-G-A.
Other names: c.756C>T, p.Cys252= (NM_001305544.3); c.375C>T, p.Cys125= (NM_001305545.2).
Identifiers: ClinVar variation 1101827 (VCV001101827.11), dbSNP rs2143447059, ClinGen allele CA501055466.